The following is an entry in ClinVar:

ClinVar aggregate classification (germline): Uncertain significance (1 of 4 stars; one submission).

Submission:

GeneDx
Classification: Uncertain significance. Last evaluated: 2022-11-08. Review status: criteria provided, single submitter. Criteria: GeneDx Variant Classification Process June 2021. Collection method: clinical testing. Allele origin: germline. Affected: yes.
Comment: Not observed at significant frequency in large population cohorts (gnomAD); In silico analysis supports that this missense variant does not alter protein structure/function; Has not been previously published as pathogenic or benign to our knowledge

NM_031407.7(HUWE1):c.9347G>A (p.Ser3116Asn)

Gene: HUWE1 (HECT, UBA and WWE domain containing E3 ubiquitin protein ligase 1; minus strand). Cytogenetic location: Xp11.22.
Variant type: single nucleotide variant.
Coding change: c.9347G>A on transcript NM_031407.7 (MANE Select); coding-DNA position 9347, G replaced by A.
Protein change: p.Ser3116Asn; replaces serine 3116 with asparagine.
Molecular consequence: missense variant.
Genome position (GRCh38, 1-based): chrX:53,550,939, C>T on the plus strand (G>A on the coding strand, the complement: HUWE1 is on the minus strand). VCF-style: chrX-53550939-C-T. GRCh37 (hg19) VCF-style: chrX-53577900-C-T.
Other names: short protein forms S3116N.
Identifiers: ClinVar variation 2501436 (VCV002501436.1), dbSNP rs2523324382, ClinGen allele CA413141175.